The following is an entry in ClinVar:

ClinVar aggregate classification (germline): Uncertain significance (1 of 4 stars; one submission).

Conditions:
PURA-related severe neonatal hypotonia-seizures-encephalopathy syndrome (NEDRIHF). Also called: PURA-Related Neurodevelopmental Disorders; NEURODEVELOPMENTAL DISORDER WITH NEONATAL RESPIRATORY INSUFFICIENCY, HYPOTONIA, AND FEEDING DIFFICULTIES. Identifiers: Orphanet 438213, Orphanet 438216, MedGen C4015357, MONDO:1060108, OMIM 616158, MONDO:0018580.

Submission:

Labcorp Genetics (formerly Invitae), Labcorp
Classification: Uncertain significance for PURA-related severe neonatal hypotonia-seizures-encephalopathy syndrome. Last evaluated: 2020-03-14. Review status: criteria provided, single submitter. Criteria: Invitae Variant Classification Sherloc (09022015). Collection method: clinical testing. Allele origin: germline.
Comment: In summary, the available evidence is currently insufficient to determine the role of this variant in disease. Therefore, it has been classified as a Variant of Uncertain Significance. Experimental studies and prediction algorithms are not available or were not evaluated, and the functional significance of this variant is currently unknown. This variant has not been reported in the literature in individuals with PURA-related conditions. The frequency data for this variant in the population databases is considered unreliable, as metrics indicate insufficient coverage at this position in the ExAC database. This variant, c.88_93del, results in the deletion of 2 amino acid(s) of the PURA protein (p.Ser30_Gly31del), but otherwise preserves the integrity of the reading frame.

NM_005859.5(PURA):c.88_93del (p.26SG[2])

Gene: PURA (purine rich element binding protein A; plus strand). Cytogenetic location: 5q31.3.
Variant type: Deletion.
Coding change: c.88_93del on transcript NM_005859.5 (MANE Select); coding-DNA positions 88 to 93, 6 bases deleted (TCCGGC; older notation c.88_93delTCCGGC).
Protein change: p.26SG[2].
Molecular consequence: inframe deletion.
Genome position (GRCh38, 1-based): chr5:140,114,269-140,114,274, TCCGGC deleted; deleting any 6 consecutive bases within chr5:140,114,266-140,114,274 gives the same sequence; the c. name uses the placement nearest the transcript's 3' end. VCF-style (leftmost placement, unchanged base first): chr5-140114265-AGGCTCC-A. GRCh37 (hg19) VCF-style: chr5-139493850-AGGCTCC-A.
Identifiers: ClinVar variation 1009748 (VCV001009748.11), dbSNP rs1763036497, ClinGen allele CA1586593114.